The following is an entry in ClinVar:

ClinVar aggregate classification (germline): Pathogenic (1 of 4 stars; one submission).

Submission:

Labcorp Genetics (formerly Invitae), Labcorp
Classification: Pathogenic. Last evaluated: 2024-09-26. Review status: criteria provided, single submitter. Criteria: Invitae Variant Classification Sherloc (09022015). Collection method: clinical testing. Allele origin: germline.
Comment: This sequence change creates a premature translational stop signal (p.Leu347Trpfs*31) in the EPHB4 gene. It is expected to result in an absent or disrupted protein product. Loss-of-function variants in EPHB4 are known to be pathogenic (PMID: 28687708). This variant is not present in population databases (gnomAD no frequency). This variant has not been reported in the literature in individuals affected with EPHB4-related conditions. For these reasons, this variant has been classified as Pathogenic.

Literature cited by the submitters: PubMed 28687708.

NM_004444.5(EPHB4):c.1039del (p.Leu347fs)

Gene: EPHB4 (EPH receptor B4; minus strand). Cytogenetic location: 7q22.1.
Variant type: Deletion.
Coding change: c.1039del on transcript NM_004444.5 (MANE Select); coding-DNA position 1039, one base deleted (C; older notation c.1039delC).
Protein change: p.Leu347fs; shifts the reading frame from leucine 347.
Molecular consequence: frameshift variant.
Genome position (GRCh38, 1-based): chr7:100,819,815, G deleted on the plus strand (C on the coding strand, the reverse complement: EPHB4 is on the minus strand); the first of 6 consecutive G bases (chr7:100,819,815-100,819,820); deleting any one gives the same sequence. VCF-style (leftmost placement, unchanged base first): chr7-100819814-AG-A. GRCh37 (hg19) VCF-style: chr7-100417436-AG-A.
Other names: short protein forms L347fs.
Identifiers: ClinVar variation 2828343 (VCV002828343.3), dbSNP rs767827881, ClinGen allele CA2684142351.